The following is an entry in ClinVar:

NM_004006.3(DMD):c.5123A>G (p.Lys1708Arg)

Gene: DMD (dystrophin; minus strand). Cytogenetic location: Xp21.1.
Variant type: single nucleotide variant.
Coding change: c.5123A>G on transcript NM_004006.3 (MANE Select); coding-DNA position 5123, A replaced by G.
Protein change: p.Lys1708Arg; replaces lysine 1708 with arginine.
Molecular consequence: missense variant.
Genome position (GRCh38, 1-based): chrX:32,364,613, T>C on the plus strand (A>G on the coding strand, the complement: DMD is on the minus strand). VCF-style: chrX-32364613-T-C. GRCh37 (hg19) VCF-style: chrX-32382730-T-C.
Other names: c.5099A>G, p.Lys1700Arg (NM_000109.4); c.5111A>G, p.Lys1704Arg (NM_004009.3); c.4754A>G, p.Lys1585Arg (NM_004010.3); c.1100A>G, p.Lys367Arg (NM_004011.4); c.1091A>G, p.Lys364Arg (NM_004012.4); short protein forms K1704R, K367R, K1585R, K364R, K1700R, K1708R.
Identifiers: ClinVar variation 971796 (VCV000971796.11), dbSNP rs775302077, ClinGen allele CA10378772.
Genomic context (GRCh38, chrX:32,364,613, plus strand): 5'-GACATTACTTTTCATATTTTATTTGCTACCTTAAGCACGTCTTCTTTTTGCTGGGGTTTC[T>C]TTTTCTCTGATTCATCCAAAAGTGTGTCAGCCTGAATGATCCACTTTGTGATGTGGTCCA-3'
Protein context (NP_003997.2, residues 1698-1718): ADTLLDESEK[Lys1708Arg]KPQQKEDVLK

ClinVar aggregate classification (germline): Uncertain significance. Review status: criteria provided, multiple submitters, no conflicts (2 of 4 stars). 3 submissions from 3 submitters: Uncertain significance (2). 1 of the submissions does not count toward it. Last evaluated 2024-10-24.

Conditions:
Cardiovascular phenotype. Identifiers: MedGen CN230736.
Duchenne muscular dystrophy (DMD). Also called: MUSCULAR DYSTROPHY, PSEUDOHYPERTROPHIC PROGRESSIVE, DUCHENNE TYPE; Duchenne Muscular Dystrophy (DMD). Identifiers: Orphanet 98896, MedGen C0013264, MONDO:0010679, OMIM 310200.
Dystrophin deficiency.
Becker muscular dystrophy (BMD). Also called: MUSCULAR DYSTROPHY, PSEUDOHYPERTROPHIC PROGRESSIVE, BECKER TYPE; Becker Muscular Dystrophy (BMD). Identifiers: Orphanet 98895, MedGen C0917713, MONDO:0010311, OMIM 300376.
Cardiomyopathy (CMYO). Also called: Cardiomyopathies. Identifiers: Orphanet 167848, MedGen C0878544, MONDO:0004994, HP:0001638. Inheritance: Various modes of inheritance.

Allele frequency attached by ClinVar (database versions not stated): gnomAD exomes below 0.00001 and 0.00001; ExAC 0.00001; TOPMed 0.00002.
gnomAD v4.1: 4 of 1,209,883 alleles (0.00033%); highest among the groups gnomAD compares: African/African-American, 0.0052%; no homozygotes.

Submissions (3):

Labcorp Genetics (formerly Invitae), Labcorp
Classification: Uncertain significance for Duchenne muscular dystrophy. Last evaluated: 2024-10-24. Review status: criteria provided, single submitter. Criteria: Invitae Variant Classification Sherloc (09022015). Collection method: clinical testing. Allele origin: germline.
Comment: This sequence change replaces lysine, which is basic and polar, with arginine, which is basic and polar, at codon 1708 of the DMD protein (p.Lys1708Arg). The frequency data for this variant in the population databases is considered unreliable, as metrics indicate poor data quality at this position in the gnomAD database. This variant has not been reported in the literature in individuals affected with DMD-related conditions. ClinVar contains an entry for this variant (Variation ID: 971796). Invitae Evidence Modeling of protein sequence and biophysical properties (such as structural, functional, and spatial information, amino acid conservation, physicochemical variation, residue mobility, and thermodynamic stability) indicates that this missense variant is not expected to disrupt DMD protein function with a negative predictive value of 95%. In summary, the available evidence is currently insufficient to determine the role of this variant in disease. Therefore, it has been classified as a Variant of Uncertain Significance.

Ambry Genetics
Classification: Uncertain significance for Cardiovascular phenotype. Last evaluated: 2020-07-06. Review status: criteria provided, single submitter. Criteria: Ambry Variant Classification Scheme 2023. Collection method: clinical testing. Allele origin: germline.
Comment: The p.K1708R variant (also known as c.5123A>G), located in coding exon 36 of the DMD gene, results from an A to G substitution at nucleotide position 5123. The lysine at codon 1708 is replaced by arginine, an amino acid with highly similar properties. This amino acid position is not well conserved in available vertebrate species, and arginine is the reference amino acid in other vertebrate species. In addition, this alteration is predicted to be tolerated by in silico analysis. Since supporting evidence is limited at this time, the clinical significance of this alteration remains unclear.

Natera, Inc.
Classification: Uncertain significance for Becker muscular dystrophy; Cardiomyopathy; Duchenne muscular dystrophy; Dystrophin deficiency. Last evaluated: 2018-10-09. Review status: no assertion criteria provided. Collection method: clinical testing. Allele origin: germline. Not counted in ClinVar's aggregate classification.